The following is an entry in ClinVar:

ClinVar aggregate classification (germline): Uncertain significance (1 of 4 stars; one submission).

Submission:

Ambry Genetics
Classification: Uncertain significance. Last evaluated: 2021-05-25. Review status: criteria provided, single submitter. Criteria: Ambry Variant Classification Scheme 2023. Collection method: clinical testing. Allele origin: germline.
Comment: The p.G1660A variant (also known as c.4979G>C), located in coding exon 44 of the KIF1B gene, results from a G to C substitution at nucleotide position 4979. The glycine at codon 1660 is replaced by alanine, an amino acid with similar properties. This amino acid position is highly conserved in available vertebrate species. In addition, this alteration is predicted to be deleterious by in silico analysis. Since supporting evidence is limited at this time, the clinical significance of this alteration remains unclear.

NM_001365951.3(KIF1B):c.5117G>C (p.Gly1706Ala)

Gene: KIF1B (kinesin family member 1B; plus strand). Cytogenetic location: 1p36.22.
Variant type: single nucleotide variant.
Coding change: c.5117G>C on transcript NM_001365951.3 (MANE Select); coding-DNA position 5117, G replaced by C.
Protein change: p.Gly1706Ala; replaces glycine 1706 with alanine.
Molecular consequence: missense variant.
Genome position (GRCh38, 1-based): chr1:10,374,874, G>C. VCF-style: chr1-10374874-G-C. GRCh37 (hg19) VCF-style: chr1-10434932-G-C.
Other names: c.5117G>C, p.Gly1706Ala (NM_001365952.1); c.4979G>C, p.Gly1660Ala (NM_015074.3); short protein forms G1660A, G1706A.
Identifiers: ClinVar variation 1744508 (VCV001744508.2), dbSNP rs2521982246, ClinGen allele CA338330237.
Genomic context (GRCh38, chr1:10,374,874, plus strand): 5'-TTTTGTGAGAAACTAACTTTTGTCATATTGTCGTTTTTAGCTCAGTGGTCTCTAAGAAAG[G>C]ATACCTTCATTTCAAGGAGCCTCTTTACAGTAACTGGGCTAAACATTTTGTTGTCGTCCG-3'
Protein context (NP_001352880.1, residues 1696-1716): IRPSSVVSKK[Gly1706Ala]YLHFKEPLYS